The following is an entry in ClinVar:

ClinVar aggregate classification (germline): Benign (1 of 4 stars; one submission).

Conditions:
Behavior disorder. Also called: Behavioral disorder. Identifiers: MedGen C0004930.

Allele frequency attached by ClinVar (database versions not stated): gnomAD exomes 0.00267 and 0.00559; ExAC 0.00640; gnomAD 0.03027 and 0.03242; 1000 Genomes Project 0.03295; TOPMed 0.03406; 1000 Genomes Project 30x 0.03482.

Submission:

Illumina Laboratory Services, Illumina
Classification: Benign for Behavior disorder. Last evaluated: 2018-01-13. Review status: criteria provided, single submitter. Criteria: ICSL Variant Classification Criteria 13 December 2019. Collection method: clinical testing. Allele origin: germline.
Comment: This variant was observed in the ICSL laboratory as part of a predisposition screen in an ostensibly healthy population. It had not been previously curated by ICSL or reported in the Human Gene Mutation Database (HGMD: prior to June 1st, 2018), and was therefore a candidate for classification through an automated scoring system. Utilizing variant allele frequency, disease prevalence and penetrance estimates, and inheritance mode, an automated score was calculated to assess if this variant is too frequent to cause the disease. Based on the score and internal cut-off values, a variant classified as benign is not then subjected to further curation. The score for this variant resulted in a classification of benign for this disease.

NM_001045.6(SLC6A4):c.-149C>A

Gene: SLC6A4 (solute carrier family 6 member 4; minus strand). Cytogenetic location: 17q11.2.
Variant type: single nucleotide variant.
Coding change: c.-149C>A on transcript NM_001045.6 (MANE Select); 149 bases upstream of the start codon, C replaced by A.
Molecular consequence: 5 prime UTR variant.
Genome position (GRCh38, 1-based): chr17:30,222,844, G>T on the plus strand (C>A on the coding strand, the complement: SLC6A4 is on the minus strand). VCF-style: chr17-30222844-G-T. GRCh37 (hg19) VCF-style: chr17-28549862-G-T.
Identifiers: ClinVar variation 322543 (VCV000322543.5), dbSNP rs28914831, ClinGen allele CA8480558.